The following is an entry in ClinVar:

ClinVar aggregate classification (germline): Likely benign. Review status: criteria provided, multiple submitters, no conflicts (2 of 4 stars). 2 submissions from 2 submitters: Likely benign (2). Last evaluated 2025-06-12.

Conditions:
PODXL-related disorder. Also called: PODXL-related condition.

Allele frequency attached by ClinVar (database versions not stated): gnomAD exomes 0.00003; ExAC 0.00012; gnomAD 0.00015; TOPMed 0.00016; ESP Exome Variant Server 0.00023.
gnomAD v4.1: 69 of 1,585,938 alleles (0.0044%); highest among the groups gnomAD compares: African/African-American, 0.04%; no homozygotes.

Submissions (2):

Labcorp Genetics (formerly Invitae), Labcorp
Classification: Likely benign. Last evaluated: 2025-06-12. Review status: criteria provided, single submitter. Criteria: Invitae Variant Classification Sherloc (09022015). Collection method: clinical testing. Allele origin: germline.

PreventionGenetics, part of Exact Sciences
Classification: Likely benign for PODXL-related condition. Last evaluated: 2024-10-11. Review status: criteria provided, single submitter. Criteria: ACMG Guidelines, 2015. Collection method: clinical testing. Allele origin: germline.
Comment: This variant is classified as likely benign based on ACMG/AMP sequence variant interpretation guidelines (Richards et al. 2015 PMID: 25741868, with internal and published modifications).

NM_001018111.3(PODXL):c.1431G>A (p.Ala477=)

Gene: PODXL (podocalyxin like; minus strand). Cytogenetic location: 7q32.3.
Variant type: single nucleotide variant.
Coding change: c.1431G>A on transcript NM_001018111.3 (MANE Select); coding-DNA position 1431, G replaced by A.
Protein change: p.Ala477=; no amino-acid change (alanine 477 retained).
Molecular consequence: synonymous variant.
Genome position (GRCh38, 1-based): chr7:131,505,916, C>T on the plus strand (G>A on the coding strand, the complement: PODXL is on the minus strand). VCF-style: chr7-131505916-C-T. GRCh37 (hg19) VCF-style: chr7-131190675-C-T.
Other names: c.1335G>A, p.Ala445= (NM_005397.4); c.1335G>A (NM_005397.3).
Identifiers: ClinVar variation 1979535 (VCV001979535.5), dbSNP rs138478935, ClinGen allele CA4488364.